The following is an entry in ClinVar:

ClinVar aggregate classification (germline): Uncertain significance. Review status: criteria provided, multiple submitters, no conflicts (2 of 4 stars). 2 submissions from 2 submitters: Uncertain significance (2). Last evaluated 2025-01-23.

Conditions:
Primary ciliary dyskinesia. Also called: Ciliary dyskinesia. Identifiers: Orphanet 244, MedGen C0008780, MONDO:0016575, HP:0012265.

Submissions (2):

Labcorp Genetics (formerly Invitae), Labcorp
Classification: Uncertain significance for Primary ciliary dyskinesia. Last evaluated: 2025-01-23. Review status: criteria provided, single submitter. Criteria: Invitae Variant Classification Sherloc (09022015). Collection method: clinical testing. Allele origin: germline.
Comment: This variant, c.1956_1973dup, results in the insertion of 6 amino acid(s) of the CCDC114 protein (p.Ala655_Pro660dup), but otherwise preserves the integrity of the reading frame. This variant is present in population databases (rs755466284, gnomAD 0.04%). This variant has not been reported in the literature in individuals affected with CCDC114-related conditions. ClinVar contains an entry for this variant (Variation ID: 454970). In summary, the available evidence is currently insufficient to determine the role of this variant in disease. Therefore, it has been classified as a Variant of Uncertain Significance.

Blueprint Genetics
Classification: Uncertain significance. Last evaluated: 2024-09-06. Review status: criteria provided, single submitter. Criteria: ACMG Guidelines, 2015. Collection method: clinical testing. Allele origin: germline.

NM_001364171.2(ODAD1):c.2067_2084dup (p.Ala692_Pro697dup)

Gene: ODAD1 (outer dynein arm docking complex subunit 1; minus strand). Cytogenetic location: 19q13.33.
Variant type: Duplication.
Coding change: c.2067_2084dup on transcript NM_001364171.2 (MANE Select); coding-DNA positions 2067 to 2084, 18 bases duplicated (CGGCCCTGCCTCCAGCAC).
Protein change: p.Ala692_Pro697dup.
Molecular consequence: inframe insertion.
Genome position (GRCh38, 1-based): chr19:48,297,016-48,297,033, GTGCTGGAGGCAGGGCCG duplicated on the plus strand (CGGCCCTGCCTCCAGCAC on the coding strand, the reverse complement: ODAD1 is on the minus strand); duplicating any 18 consecutive bases within chr19:48,297,016-48,297,042 gives the same sequence; the c. name uses the placement nearest the transcript's 3' end. VCF-style (leftmost placement, unchanged base first): chr19-48297015-A-AGTGCTGGAGGCAGGGCCG. GRCh37 (hg19) VCF-style: chr19-48800272-A-AGTGCTGGAGGCAGGGCCG.
Other names: c.1956_1973dup, p.Ala655_Pro660dup (NM_144577.4).
Identifiers: ClinVar variation 454970 (VCV000454970.8), dbSNP rs755466284, ClinGen allele CA9548479.